The following is an entry in ClinVar:

NM_024675.4(PALB2):c.352A>G (p.Ile118Val)

Gene: PALB2 (partner and localizer of BRCA2; minus strand). Cytogenetic location: 16p12.2.
Variant type: single nucleotide variant.
Coding change: c.352A>G on transcript NM_024675.4 (MANE Select); coding-DNA position 352, A replaced by G.
Protein change: p.Ile118Val; replaces isoleucine 118 with valine.
Molecular consequence: missense variant.
Genome position (GRCh38, 1-based): chr16:23,636,194, T>C on the plus strand (A>G on the coding strand, the complement: PALB2 is on the minus strand). VCF-style: chr16-23636194-T-C. GRCh37 (hg19) VCF-style: chr16-23647515-T-C.
Other names: short protein forms I118V.
Identifiers: ClinVar variation 628278 (VCV000628278.18), dbSNP rs1567223015, ClinGen allele CA395137667.

ClinVar aggregate classification (germline): Conflicting classifications of pathogenicity. Review status: criteria provided, conflicting classifications (1 of 4 stars). 3 submissions from 3 submitters: Uncertain significance (2); Likely benign (1). Last evaluated 2025-01-13.

Conditions:
Familial cancer of breast. Also called: BREAST CANCER, FAMILIAL; Hereditary breast cancer; hereditary breast carcinoma. Identifiers: Orphanet 227535, MedGen C0346153, MONDO:0016419, OMIM 114480. Disease mechanism: loss of function.
Hereditary cancer-predisposing syndrome. Also called: Neoplastic Syndromes, Hereditary; Tumor predisposition; Hereditary neoplastic syndrome; Hereditary Cancer Syndrome. Identifiers: Orphanet 140162, MedGen C0027672, MeSH D009386, MONDO:0015356.

Allele frequency attached by ClinVar (database versions not stated): TOPMed below 0.00001.

Submissions (3):

Labcorp Genetics (formerly Invitae), Labcorp
Classification: Uncertain significance for Familial cancer of breast. Last evaluated: 2025-01-13. Review status: criteria provided, single submitter. Criteria: Invitae Variant Classification Sherloc (09022015). Collection method: clinical testing. Allele origin: germline.
Comment: This sequence change replaces isoleucine, which is neutral and non-polar, with valine, which is neutral and non-polar, at codon 118 of the PALB2 protein (p.Ile118Val). This variant is not present in population databases (gnomAD no frequency). This variant has not been reported in the literature in individuals affected with PALB2-related conditions. ClinVar contains an entry for this variant (Variation ID: 628278). An algorithm developed to predict the effect of missense changes on protein structure and function outputs the following: PolyPhen-2: "Benign". The valine amino acid residue is found in multiple mammalian species, which suggests that this missense change does not adversely affect protein function. In summary, the available evidence is currently insufficient to determine the role of this variant in disease. Therefore, it has been classified as a Variant of Uncertain Significance.

Ambry Genetics
Classification: Likely benign for Hereditary cancer-predisposing syndrome. Last evaluated: 2024-07-29. Review status: criteria provided, single submitter. Criteria: Ambry Variant Classification Scheme 2023. Collection method: clinical testing. Allele origin: germline.

Color Diagnostics, LLC DBA Color Health
Classification: Uncertain significance for Hereditary cancer-predisposing syndrome. Last evaluated: 2023-12-05. Review status: criteria provided, single submitter. Criteria: ACMG Guidelines, 2015. Collection method: clinical testing. Allele origin: germline.
Comment: This missense variant replaces isoleucine with valine at codon 118 of the PALB2 protein. Computational prediction suggests that this variant may not impact protein structure and function (internally defined REVEL score threshold <= 0.5, PMID: 27666373). To our knowledge, functional studies have not been reported for this variant. This variant has not been reported in individuals affected with PALB2-related disorders in the literature. This variant has not been identified in the general population by the Genome Aggregation Database (gnomAD). The available evidence is insufficient to determine the role of this variant in disease conclusively. Therefore, this variant is classified as a Variant of Uncertain Significance.